The following is an entry in ClinVar:

NM_001134831.2(AHI1):c.385G>T (p.Val129Leu)

Gene: AHI1 (Abelson helper integration site 1; minus strand). Cytogenetic location: 6q23.3.
Variant type: single nucleotide variant.
Coding change: c.385G>T on transcript NM_001134831.2 (MANE Select); coding-DNA position 385, G replaced by T.
Protein change: p.Val129Leu; replaces valine 129 with leucine.
Molecular consequence: missense variant.
Genome position (GRCh38, 1-based): chr6:135,466,178, C>A on the plus strand (G>T on the coding strand, the complement: AHI1 is on the minus strand). VCF-style: chr6-135466178-C-A. GRCh37 (hg19) VCF-style: chr6-135787316-C-A.
Other names: c.385G>T, p.Val129Leu (NM_001134830.2, NM_001134832.2, NM_001350503.2 and 2 more transcripts); short protein forms V129L.
Identifiers: ClinVar variation 2118249 (VCV002118249.4), dbSNP rs2485019940, ClinGen allele CA365751782.

ClinVar aggregate classification (germline): Uncertain significance (1 of 4 stars; one submission).

Conditions:
Joubert syndrome. Also called: CEREBELLOPARENCHYMAL DISORDER IV; JOUBERT-BOLTSHAUSER SYNDROME; Familial aplasia of the vermis. Identifiers: Orphanet 475, MedGen C5979921, MONDO:0018772.

Submission:

Labcorp Genetics (formerly Invitae), Labcorp
Classification: Uncertain significance for Joubert syndrome. Last evaluated: 2022-03-27. Review status: criteria provided, single submitter. Criteria: Invitae Variant Classification Sherloc (09022015). Collection method: clinical testing. Allele origin: germline.
Comment: In summary, the available evidence is currently insufficient to determine the role of this variant in disease. Therefore, it has been classified as a Variant of Uncertain Significance. Advanced modeling of protein sequence and biophysical properties (such as structural, functional, and spatial information, amino acid conservation, physicochemical variation, residue mobility, and thermodynamic stability) performed at Invitae indicates that this missense variant is not expected to disrupt AHI1 protein function. This variant has not been reported in the literature in individuals affected with AHI1-related conditions. This variant is not present in population databases (gnomAD no frequency). This sequence change replaces valine, which is neutral and non-polar, with leucine, which is neutral and non-polar, at codon 129 of the AHI1 protein (p.Val129Leu).